The following is an entry in ClinVar:

ClinVar aggregate classification (germline): Conflicting classifications of pathogenicity. Review status: criteria provided, conflicting classifications (1 of 4 stars). 2 submissions from 2 submitters: Pathogenic (1); Uncertain significance (1). Last evaluated 2023-11-02.

Conditions:
Cardiovascular phenotype. Identifiers: MedGen CN230736.
Hypercholesterolemia, autosomal dominant, type B (FHCL2). Also called: Familial hypercholesterolemia 2; Familial Hypercholesterolemia Type B; APOLIPOPROTEIN B-100, FAMILIAL DEFECTIVE; APOLIPOPROTEIN B-100, FAMILIAL LIGAND-DEFECTIVE; HYPERCHOLESTEROLEMIA, FAMILIAL, DUE TO LIGAND-DEFECTIVE APOLIPOPROTEIN B; APOB-Related Familial Hypercholesterolemia, Autosomal Dominant. Identifiers: MedGen C1704417, MONDO:0007751, OMIM 144010.

Submissions (2):

Ambry Genetics
Classification: Uncertain significance for Cardiovascular phenotype. Last evaluated: 2023-11-02. Review status: criteria provided, single submitter. Criteria: Ambry Variant Classification Scheme 2023. Collection method: clinical testing. Allele origin: germline.
Comment: The p.K3344E variant (also known as c.10030A>G), located in coding exon 26 of the APOB gene, results from an A to G substitution at nucleotide position 10030. The lysine at codon 3344 is replaced by glutamic acid, an amino acid with similar properties. This variant has been reported in individuals with concerns for familial hypercholesterolemia (FH), including segregating with disease in one family (Rodr&iacute;guez-Jim&eacute;nez C et al. Int J Mol Sci, 2023 Apr;24:[ePub ahead of print]; Ambry internal data). This amino acid position is highly conserved in available vertebrate species. In addition, the in silico prediction for this alteration is inconclusive. Since supporting evidence is limited at this time, the clinical significance of this alteration remains unclear.

Clinical Genetics Laboratory, Region Ostergotland
Classification: Pathogenic for Hypercholesterolemia, autosomal dominant, type B. Last evaluated: 2023-07-24. Review status: criteria provided, single submitter. Criteria: ACMG Guidelines, 2015. Collection method: clinical testing. Allele origin: germline. Affected: yes.
Comment: PS4, PM2, PP1_strong

Literature cited by the submitters: PubMed 37108800 (cited by Ambry Genetics).

NM_000384.3(APOB):c.10030A>G (p.Lys3344Glu)

Gene: APOB (apolipoprotein B; minus strand). Cytogenetic location: 2p24.1.
Variant type: single nucleotide variant.
Coding change: c.10030A>G on transcript NM_000384.3 (MANE Select); coding-DNA position 10030, A replaced by G.
Protein change: p.Lys3344Glu; replaces lysine 3344 with glutamic acid.
Molecular consequence: missense variant.
Genome position (GRCh38, 1-based): chr2:21,006,838, T>C on the plus strand (A>G on the coding strand, the complement: APOB is on the minus strand). VCF-style: chr2-21006838-T-C. GRCh37 (hg19) VCF-style: chr2-21229710-T-C.
Other names: short protein forms K3344E.
Identifiers: ClinVar variation 1773484 (VCV001773484.4), dbSNP rs2465361028, ClinGen allele CA345987798.